The following is an entry in ClinVar:

ClinVar aggregate classification (germline): Uncertain significance (1 of 4 stars; one submission).

Allele frequency attached by ClinVar (database versions not stated): ExAC 0.00001; gnomAD 0.00001; gnomAD exomes 0.00002.
gnomAD v4.1: 34 of 1,601,700 alleles (0.0021%); highest among the groups gnomAD compares: Non-Finnish European, 0.0026%; no homozygotes.

Submission:

Labcorp Genetics (formerly Invitae), Labcorp
Classification: Uncertain significance. Last evaluated: 2024-08-15. Review status: criteria provided, single submitter. Criteria: Invitae Variant Classification Sherloc (09022015). Collection method: clinical testing. Allele origin: germline.
Comment: This sequence change falls in intron 3 of the GATA3 gene. It does not directly change the encoded amino acid sequence of the GATA3 protein. It affects a nucleotide within the consensus splice site. This variant is present in population databases (rs373733889, gnomAD 0.002%). This variant has not been reported in the literature in individuals affected with GATA3-related conditions. Variants that disrupt the consensus splice site are a relatively common cause of aberrant splicing (PMID: 17576681, 9536098). Algorithms developed to predict the effect of sequence changes on RNA splicing suggest that this variant is not likely to affect RNA splicing. In summary, the available evidence is currently insufficient to determine the role of this variant in disease. Therefore, it has been classified as a Variant of Uncertain Significance.

Literature cited by the submitters: PubMed 17576681; PubMed 9536098.

NM_001002295.2(GATA3):c.778+5G>T

Gene: GATA3 (GATA binding protein 3; plus strand). Cytogenetic location: 10p14.
Variant type: single nucleotide variant.
Coding change: c.778+5G>T on transcript NM_001002295.2 (MANE Select); 5 bases into the intron after coding-DNA position 778, G replaced by T.
Molecular consequence: intron variant.
Genome position (GRCh38, 1-based): chr10:8,058,846, G>T. VCF-style: chr10-8058846-G-T. GRCh37 (hg19) VCF-style: chr10-8100809-G-T.
Other names: c.778+5G>T (NM_002051.3).
Identifiers: ClinVar variation 2868261 (VCV002868261.3), dbSNP rs373733889, ClinGen allele CA5404456.
Genomic context (GRCh38, chr10:8,058,846, plus strand): 5'-CGGCTCCCCCACCGGCTTCGGATGCAAGTCCAGGCCCAAGGCCCGGTCCAGCACAGGTAG[G>T]AGCCAGCTCTTCCCTGGAGCCTTTTCTCCTCCCTCCTCCCCTTTTCCTCAATCCAGGGCC-3'